The following is an entry in ClinVar:

NM_001854.4(COL11A1):c.1263A>G (p.Ala421=)

Gene: COL11A1 (collagen type XI alpha 1 chain; minus strand). Cytogenetic location: 1p21.1.
Variant type: single nucleotide variant.
Coding change: c.1263A>G on transcript NM_001854.4 (MANE Select); coding-DNA position 1263, A replaced by G.
Protein change: p.Ala421=; no amino-acid change (alanine 421 retained).
Molecular consequence: synonymous variant. On other transcripts: non-coding transcript variant (1).
Genome position (GRCh38, 1-based): chr1:103,021,752, T>C on the plus strand (A>G on the coding strand, the complement: COL11A1 is on the minus strand). VCF-style: chr1-103021752-T-C. GRCh37 (hg19) VCF-style: chr1-103487308-T-C.
Other names: c.1146A>G, p.Ala382= (NM_001190709.2); c.1299A>G, p.Ala433= (NM_080629.3); c.915A>G, p.Ala305= (NM_080630.4).
Identifiers: ClinVar variation 875887 (VCV000875887.11), dbSNP rs760330151, ClinGen allele CA975054.
Genomic context (GRCh38, chr1:103,021,752, plus strand): 5'-CACACTACTACTTACAGGCTCAACCACTGCTGGTTCTCCTTTCTGTCCTTTCTCTCCATA[T>C]GCACCATGGCCATTTATCTGTTGAATGAAATATTCAAAACAGCCTAAATGTCTGTAAGAC-3'
Protein context (NP_001845.3, residues 411-431): ITETSINGHG[Ala421=]YGEKGQKGEP

ClinVar aggregate classification (germline): Conflicting classifications of pathogenicity. Review status: criteria provided, conflicting classifications (1 of 4 stars). 6 submissions from 5 submitters: Uncertain significance (3); Likely benign (3). Last evaluated 2025-12-26.

Conditions:
Fibrochondrogenesis 1 (FBCG1). Identifiers: Orphanet 2021, MedGen C3278138, MONDO:0009226, OMIM 228520.
Stickler syndrome type 2 (STL2). Also called: STICKLER SYNDROME, TYPE II; STICKLER SYNDROME, BEADED VITREOUS TYPE; STICKLER SYNDROME, VITREOUS TYPE 2; COL11A1-Related Stickler Syndrome. Identifiers: Orphanet 828, Orphanet 90654, MedGen C1858084, MONDO:0011493, OMIM 604841.
COL11A1-related disorder. Also called: COL11A1-related disorders; COL11A1-related condition.

Allele frequency attached by ClinVar (database versions not stated): TOPMed 0.00003.
gnomAD v4.1: 34 of 1,611,720 alleles (0.0021%); highest among the groups gnomAD compares: Middle Eastern, 0.066%; no homozygotes.

Submissions (6):

Labcorp Genetics (formerly Invitae), Labcorp
Classification: Likely benign. Last evaluated: 2025-12-26. Review status: criteria provided, single submitter. Criteria: Invitae Variant Classification Sherloc (09022015). Collection method: clinical testing. Allele origin: germline.

PreventionGenetics, part of Exact Sciences
Classification: Likely benign for COL11A1-related condition. Last evaluated: 2025-09-30. Review status: criteria provided, single submitter. Criteria: ACMG Guidelines, 2015. Collection method: clinical testing. Allele origin: germline.
Comment: This variant is classified as likely benign based on ACMG/AMP sequence variant interpretation guidelines (Richards et al. 2015 PMID: 25741868, with internal and published modifications).

Blueprint Genetics
Classification: Likely benign. Last evaluated: 2024-07-24. Review status: criteria provided, single submitter. Criteria: ACMG Guidelines, 2015. Collection method: clinical testing. Allele origin: germline.

GeneDx
Classification: Uncertain significance. Last evaluated: 2021-05-10. Review status: criteria provided, single submitter. Criteria: GeneDx Variant Classification Process June 2021. Collection method: clinical testing. Allele origin: germline. Affected: yes.
Comment: Not observed at a significant frequency in large population cohorts (Lek et al., 2016); In-silico analysis, which includes splice predictors and evolutionary conservation, is inconclusive as to whether the variant alters gene splicing. In the absence of RNA/functional studies, the actual effect of this sequence change is unknown.; Has not been previously published as pathogenic or benign to our knowledge

Illumina Laboratory Services, Illumina
Classification: Uncertain significance for Fibrochondrogenesis 1. Last evaluated: 2017-11-16. Review status: criteria provided, single submitter. Criteria: ICSL Variant Classification Criteria 13 December 2019. Collection method: clinical testing. Allele origin: germline.

Illumina Laboratory Services, Illumina
Classification: Uncertain significance for Stickler syndrome type 2. Last evaluated: 2017-11-16. Review status: criteria provided, single submitter. Criteria: ICSL Variant Classification Criteria 13 December 2019. Collection method: clinical testing. Allele origin: germline.